The following is an entry in ClinVar:

NM_005633.4(SOS1):c.1310T>G (p.Ile437Ser)

Gene: SOS1 (SOS Ras/Rac guanine nucleotide exchange factor 1; minus strand). Cytogenetic location: 2p22.1.
Variant type: single nucleotide variant.
Coding change: c.1310T>G on transcript NM_005633.4 (MANE Select); coding-DNA position 1310, T replaced by G.
Protein change: p.Ile437Ser; replaces isoleucine 437 with serine.
Molecular consequence: missense variant.
Genome position (GRCh38, 1-based): chr2:39,023,118, A>C on the plus strand (T>G on the coding strand, the complement: SOS1 is on the minus strand). VCF-style: chr2-39023118-A-C. GRCh37 (hg19) VCF-style: chr2-39250259-A-C.
Other names: p.I437S:ATT>AGT; c.1289T>G, p.Ile430Ser (NM_001382394.1); c.1310T>G, p.Ile437Ser (NM_001382395.1); short protein forms I437S, I430S.
Identifiers: ClinVar variation 181551 (VCV000181551.13), dbSNP rs397517150, ClinGen allele CA297264.
Genomic context (GRCh38, chr2:39,023,118, plus strand): 5'-TGTTTGGCTCCTACACGTGTAAGAGTTCCTTCCATTATAAATTCATTACAACACTGTCCA[A>C]TGTCTTTTCCCTCCCAACCATCAATATTCTTCTGAATCTCGTTCATCTTCTTGATTGCTA-3'
Protein context (NP_005624.2, residues 427-447): KNIDGWEGKD[Ile437Ser]GQCCNEFIME

ClinVar aggregate classification (germline): Pathogenic/Likely pathogenic. Review status: criteria provided, multiple submitters, no conflicts (2 of 4 stars). 5 submissions from 5 submitters: Pathogenic (1); Likely pathogenic (3). 1 of the submissions does not count toward it. Last evaluated 2025-01-13.

Conditions:
Noonan syndrome (NS). Also called: Noonan's syndrome. Identifiers: Orphanet 648, MedGen C0028326, MeSH D009634, MONDO:0018997. Disease mechanism: gain of function.
Fibromatosis, gingival, 1 (GINGF1). Identifiers: Orphanet 2024, MedGen C4551558, MONDO:0007609, OMIM 135300.
Noonan syndrome 4 (NS4). Also called: SOS1-Related Noonan Syndrome; NOONAN SYNDROME WITH PIGMENTED VILLONODULAR SYNOVITIS. Identifiers: Orphanet 648, MedGen C1853120, MONDO:0012547, OMIM 610733.
RASopathy. Also called: rasopathies; Noonan spectrum disorder. Identifiers: Orphanet 536391, MedGen C5555857, MONDO:0021060.

gnomAD v4.1: 1 of 1,613,456 alleles (0.000062%); highest among the groups gnomAD compares: South Asian, 0.0011%; no homozygotes.

Submissions (5):

Labcorp Genetics (formerly Invitae), Labcorp
Classification: Likely pathogenic for RASopathy. Last evaluated: 2025-01-13. Review status: criteria provided, single submitter. Criteria: Invitae Variant Classification Sherloc (09022015). Collection method: clinical testing. Allele origin: germline.
Comment: This sequence change replaces isoleucine, which is neutral and non-polar, with serine, which is neutral and polar, at codon 437 of the SOS1 protein (p.Ile437Ser). This variant is not present in population databases (gnomAD no frequency). This variant has not been reported in the literature in individuals affected with SOS1-related conditions. ClinVar contains an entry for this variant (Variation ID: 181551). Invitae Evidence Modeling of protein sequence and biophysical properties (such as structural, functional, and spatial information, amino acid conservation, physicochemical variation, residue mobility, and thermodynamic stability) indicates that this missense variant is expected to disrupt SOS1 protein function with a positive predictive value of 95%. This variant disrupts the p.Ile437 amino acid residue in SOS1. Other variant(s) that disrupt this residue have been determined to be pathogenic (PMID: 21387466, 24451042). This suggests that this residue is clinically significant, and that variants that disrupt this residue are likely to be disease-causing. In summary, the currently available evidence indicates that the variant is pathogenic, but additional data are needed to prove that conclusively. Therefore, this variant has been classified as Likely Pathogenic.

Fulgent Genetics
Classification: Likely pathogenic for Fibromatosis, gingival, 1; Noonan syndrome 4. Last evaluated: 2024-02-23. Review status: criteria provided, single submitter. Criteria: ACMG Guidelines, 2015. Collection method: clinical testing. Allele origin: germline.

GeneDx
Classification: Pathogenic. Last evaluated: 2014-07-24. Review status: criteria provided, single submitter. Criteria: GeneDx Variant Classification (06012015). Collection method: clinical testing. Allele origin: germline. Affected: yes.
Comment: p.Ile437Ser (ATT>AGT): c.1310 T>G in exon 10 of the SOS1 gene (NM_005633.3). The I437S mutation was not observed in approximately 6,500 individuals of European and African American ancestry in the NHLBI Exome Sequencing Project, indicating it is not a common benign variant in these populations. I437S is a non-conservative amino acid substitution, which is likely to impact secondary protein structure as these residues differ in polarity, size and/or other properties. This substitution occurs at a position that is highly conserved across species. In silico analysis predicts this variant is probably damaging to the protein structure/function. Additionally, missense mutations in the same and nearby residues (G434R, I437N, I437T, C441Y) have been reported in association with Noonan syndrome, supporting the functional importance of this region of the protein. The variant is found in NOONAN panel(s).

Genome-Nilou Lab
Classification: Likely pathogenic for Noonan syndrome 4. Review status: criteria provided, single submitter. Criteria: ACMG Guidelines, 2015. Collection method: clinical testing. Allele origin: germline.

Service de Génétique Moléculaire, Hôpital Robert Debré
Classification: Uncertain significance for Noonan syndrome. Review status: no assertion criteria provided. Collection method: clinical testing. Allele origin: maternal. Affected: yes. Not counted in ClinVar's aggregate classification.

Literature cited by the submitters: PubMed 21387466 (cited by Labcorp Genetics (formerly Invitae), Labcorp); PubMed 24451042 (cited by Labcorp Genetics (formerly Invitae), Labcorp).